The following is an entry in ClinVar:

NM_033100.4(CDHR1):c.1516G>A (p.Glu506Lys)

Gene: CDHR1 (cadherin related family member 1; plus strand). Cytogenetic location: 10q23.1.
Variant type: single nucleotide variant.
Coding change: c.1516G>A on transcript NM_033100.4 (MANE Select); coding-DNA position 1516, G replaced by A.
Protein change: p.Glu506Lys; replaces glutamic acid 506 with lysine.
Molecular consequence: missense variant.
Genome position (GRCh38, 1-based): chr10:84,211,678, G>A. VCF-style: chr10-84211678-G-A. GRCh37 (hg19) VCF-style: chr10-85971434-G-A.
Other names: c.1516G>A (NM_033100.2); c.1516G>A, p.Glu506Lys (NM_001171971.3); short protein forms E506K.
Identifiers: ClinVar variation 1016820 (VCV001016820.8), dbSNP rs547812313, ClinGen allele CA5579967.

ClinVar aggregate classification (germline): Uncertain significance. Review status: criteria provided, multiple submitters, no conflicts (2 of 4 stars). 3 submissions from 3 submitters: Uncertain significance (3). Last evaluated 2025-08-18.

Conditions:
Inborn genetic diseases. Identifiers: MedGen C0950123, MeSH D030342.

Allele frequency attached by ClinVar (database versions not stated): TOPMed 0.00002; gnomAD exomes 0.00004 and 0.00006; ExAC 0.00007; 1000 Genomes Project 30x 0.00016; 1000 Genomes Project 0.00020.
gnomAD v4.1: 67 of 1,614,172 alleles (0.0042%); highest among the groups gnomAD compares: South Asian, 0.025%; no homozygotes.

Submissions (3):

Labcorp Genetics (formerly Invitae), Labcorp
Classification: Uncertain significance. Last evaluated: 2025-08-18. Review status: criteria provided, single submitter. Criteria: Invitae Variant Classification Sherloc (09022015). Collection method: clinical testing. Allele origin: germline.
Comment: This sequence change replaces glutamic acid, which is acidic and polar, with lysine, which is basic and polar, at codon 506 of the CDHR1 protein (p.Glu506Lys). This variant is present in population databases (rs547812313, gnomAD 0.02%). This variant has not been reported in the literature in individuals affected with CDHR1-related conditions. ClinVar contains an entry for this variant (Variation ID: 1016820). Invitae Evidence Modeling of protein sequence and biophysical properties (such as structural, functional, and spatial information, amino acid conservation, physicochemical variation, residue mobility, and thermodynamic stability) indicates that this missense variant is not expected to disrupt CDHR1 protein function with a negative predictive value of 80%. In summary, the available evidence is currently insufficient to determine the role of this variant in disease. Therefore, it has been classified as a Variant of Uncertain Significance.

Blueprint Genetics
Classification: Uncertain significance. Last evaluated: 2024-07-25. Review status: criteria provided, single submitter. Criteria: ACMG Guidelines, 2015. Collection method: clinical testing. Allele origin: germline.

Ambry Genetics
Classification: Uncertain significance for Inborn genetic diseases. Last evaluated: 2022-05-01. Review status: criteria provided, single submitter. Criteria: Ambry Variant Classification Scheme 2023. Collection method: clinical testing. Allele origin: germline.